The following is an entry in ClinVar:

ClinVar aggregate classification (germline): Uncertain significance (1 of 4 stars; one submission).

Conditions:
DK1-congenital disorder of glycosylation. Also called: DK1-CDG; CONGENITAL DISORDER OF GLYCOSYLATION, TYPE Im; CDG Im; DK1 DEFICIENCY; DOLICHOL KINASE DEFICIENCY; DOLK-congenital disorder of glycosylation. Identifiers: Orphanet 91131, MedGen C1835849, MONDO:0012556, OMIM 610768.

Allele frequency attached by ClinVar (database versions not stated): gnomAD exomes below 0.00001.

Submission:

Baylor Genetics
Classification: Uncertain significance for DK1-congenital disorder of glycosylation. Last evaluated: 2018-02-19. Review status: criteria provided, single submitter. Criteria: ACMG Guidelines, 2015. Collection method: clinical testing. Allele origin: paternal. Affected: yes.
Comment: This variant was determined to be of uncertain significance according to ACMG Guidelines, 2015 [PMID:25741868].

NM_014908.4(DOLK):c.-15C>T

Gene: DOLK (dolichol kinase; minus strand). Cytogenetic location: 9q34.11.
Variant type: single nucleotide variant.
Coding change: c.-15C>T on transcript NM_014908.4 (MANE Select); 15 bases upstream of the start codon, C replaced by T.
Molecular consequence: 5 prime UTR variant.
Genome position (GRCh38, 1-based): chr9:128,947,318, G>A on the plus strand (C>T on the coding strand, the complement: DOLK is on the minus strand). VCF-style: chr9-128947318-G-A. GRCh37 (hg19) VCF-style: chr9-131709597-G-A.
Identifiers: ClinVar variation 1033716 (VCV001033716.1), dbSNP rs1272594617, ClinGen allele CA590659553.